The following is an entry in ClinVar:

NM_001378452.1(ITPR1):c.6292-5A>G

Gene: ITPR1 (inositol 1,4,5-trisphosphate receptor type 1; plus strand). Cytogenetic location: 3p26.1.
Variant type: single nucleotide variant.
Coding change: c.6292-5A>G on transcript NM_001378452.1 (MANE Select); 5 bases into the intron before coding-DNA position 6292, A replaced by G.
Molecular consequence: intron variant.
Genome position (GRCh38, 1-based): chr3:4,779,545, A>G. VCF-style: chr3-4779545-A-G. GRCh37 (hg19) VCF-style: chr3-4821229-A-G.
Other names: c.6148-5A>G (NM_001099952.4); c.6247-5A>G (NM_001168272.2); c.6103-5A>G (NM_002222.7).
Identifiers: ClinVar variation 2005392 (VCV002005392.4), dbSNP rs879241565, ClinGen allele CA2580069176.

ClinVar aggregate classification (germline): Uncertain significance (1 of 4 stars; one submission).

Submission:

Labcorp Genetics (formerly Invitae), Labcorp
Classification: Uncertain significance. Last evaluated: 2022-02-17. Review status: criteria provided, single submitter. Criteria: Invitae Variant Classification Sherloc (09022015). Collection method: clinical testing. Allele origin: germline.
Comment: This sequence change falls in intron 44 of the ITPR1 gene. It does not directly change the encoded amino acid sequence of the ITPR1 protein. This variant is not present in population databases (gnomAD no frequency). This variant has not been reported in the literature in individuals affected with ITPR1-related conditions. Algorithms developed to predict the effect of sequence changes on RNA splicing suggest that this variant may disrupt the consensus splice site. In summary, the available evidence is currently insufficient to determine the role of this variant in disease. Therefore, it has been classified as a Variant of Uncertain Significance.